The following is an entry in ClinVar:

NM_000528.4(MAN2B1):c.1144del (p.Asp382fs)

Gene: MAN2B1 (mannosidase alpha class 2B member 1; minus strand). Cytogenetic location: 19p13.13.
Variant type: Deletion.
Coding change: c.1144del on transcript NM_000528.4 (MANE Select); coding-DNA position 1144, one base deleted (G; older notation c.1144delG).
Protein change: p.Asp382fs; shifts the reading frame from aspartic acid 382.
Molecular consequence: frameshift variant.
Genome position (GRCh38, 1-based): chr19:12,658,310, C deleted on the plus strand (G on the coding strand, the reverse complement: MAN2B1 is on the minus strand); the first of 2 consecutive C bases (chr19:12,658,310-12,658,311); deleting either gives the same sequence. VCF-style (leftmost placement, unchanged base first): chr19-12658309-TC-T. GRCh37 (hg19) VCF-style: chr19-12769123-TC-T.
Other names: c.1141del, p.Asp381fs (NM_001173498.2); short protein forms D381fs, D382fs.
Identifiers: ClinVar variation 1726200 (VCV001726200.2), dbSNP rs2512503750, ClinGen allele CA2580096525.

ClinVar aggregate classification (germline): Likely pathogenic (1 of 4 stars; one submission).

Conditions:
Deficiency of alpha-mannosidase (MANSA). Also called: Mannosidosis, alpha-, types I and II; LYSOSOMAL ALPHA-D-MANNOSIDASE DEFICIENCY; Alpha-Mannosidosis. Identifiers: Orphanet 61, MedGen C0024748, MONDO:0009561, OMIM 248500.

Submission:

Myriad Genetics, Inc.
Classification: Likely pathogenic for Deficiency of alpha-mannosidase. Last evaluated: 2022-05-22. Review status: criteria provided, single submitter. Criteria: Myriad Women's Health Autosomal Recessive and X-Linked Classification Criteria (2021). Collection method: clinical testing. Allele origin: unknown.
Comment: NM_000528.3(MAN2B1):c.1144delG(D382Mfs*95) is expected to be pathogenic in the context of alpha-mannosidosis. This variant is predicted to lead to an abnormal or absent protein product due to the creation of a premature termination codon in MAN2B1, a gene where loss-of-function variants are known to be pathogenic. Please note: this variant was assessed in the context of healthy population screening.